The following is an entry in ClinVar:

NM_001999.4(FBN2):c.8626C>T (p.Pro2876Ser)

Gene: FBN2 (fibrillin 2; minus strand). Cytogenetic location: 5q23.3.
Variant type: single nucleotide variant.
Coding change: c.8626C>T on transcript NM_001999.4 (MANE Select); coding-DNA position 8626, C replaced by T.
Protein change: p.Pro2876Ser; replaces proline 2876 with serine.
Molecular consequence: missense variant.
Genome position (GRCh38, 1-based): chr5:128,259,568, G>A on the plus strand (C>T on the coding strand, the complement: FBN2 is on the minus strand). VCF-style: chr5-128259568-G-A. GRCh37 (hg19) VCF-style: chr5-127595260-G-A.
Other names: short protein forms P2876S.
Identifiers: ClinVar variation 5009171 (VCV005009171.1).
Genomic context (GRCh38, chr5:128,259,568, plus strand): 5'-GGAGGTAGTCATCCTCATTGCTCTCTTCCAGTTTCTTAAGCTCCTTCTTCTTGTAGAGAG[G>A]GATGCTAGTGATTTCCAGTGTGTATGTGCCGGGCATGAGCTTCTTCTTGGCCGTGTGCAA-3'
Protein context (NP_001990.2, residues 2866-2886): GTYTLEITSI[Pro2876Ser]LYKKKELKKL

ClinVar aggregate classification (germline): Uncertain significance (1 of 4 stars; one submission).

Submission:

GeneDx
Classification: Uncertain significance. Last evaluated: 2026-03-17. Review status: criteria provided, single submitter. Criteria: GeneDx Variant Classification Process June 2021. Collection method: clinical testing. Allele origin: germline.
Comment: Not observed at significant frequency in large population cohorts (gnomAD); In silico analysis supports that this missense variant has a deleterious effect on protein structure/function; Has not been previously published as pathogenic or benign to our knowledge